The following is an entry in ClinVar:

NM_001375765.1(GIGYF1):c.1122_1132del (p.Pro377fs)

Gene: GIGYF1 (GRB10 interacting GYF protein 1; minus strand). Cytogenetic location: 7q22.1.
Variant type: Deletion.
Coding change: c.1122_1132del on transcript NM_001375765.1 (MANE Select); coding-DNA positions 1122 to 1132, 11 bases deleted (CCTGGGCCCAC).
Protein change: p.Pro377fs; shifts the reading frame from proline 377.
Molecular consequence: frameshift variant. On other transcripts: non-coding transcript variant (1).
Genome position (GRCh38, 1-based): chr7:100,685,404-100,685,414, GTGGGCCCAGG deleted on the plus strand (CCTGGGCCCAC on the coding strand, the reverse complement: GIGYF1 is on the minus strand); deleting any 11 consecutive bases within chr7:100,685,404-100,685,420 gives the same sequence; the c. name uses the placement nearest the transcript's 3' end. VCF-style (leftmost placement, unchanged base first): chr7-100685403-AGTGGGCCCAGG-A. GRCh37 (hg19) VCF-style: chr7-100283026-AGTGGGCCCAGG-A.
Other names: c.1122_1132del, p.Pro377fs (NM_001375759.1, NM_001375760.1, NM_001375761.1 and 6 more transcripts); short protein forms P377fs.
Identifiers: ClinVar variation 3027028 (VCV003027028.22), dbSNP rs2486261153, ClinGen allele CA2740097429.
Genomic context (GRCh38, chr7:100,685,403, plus strand): 5'-CCTTCGGCCGCTGGGGGCTCTTTCTCTGCAGTTTCGTCCCCATCCCCGTTTGTCCCCCAG[AGTGGGCCCAGG>A]GTGGGCAGTGGGGATGGGGAGCTGGACTTCTCCTCCTGAGGAGGCAGTGGGGTCAGCTCT-3'

ClinVar aggregate classification (germline): Uncertain significance (1 of 4 stars; one submission).

Submission:

CeGaT Center for Human Genetics Tuebingen
Classification: Uncertain significance. Last evaluated: 2024-03-01. Review status: criteria provided, single submitter. Criteria: CeGaT Center For Human Genetics Tuebingen Variant Classification Criteria Version 2. Collection method: clinical testing. Allele origin: germline. Affected: yes. Observed: 2 variant alleles.
Comment: GIGYF1: PM2, PVS1:Moderate